The following is an entry in ClinVar:

NC_012920.1(MT-ND1):m.3310C>T

Gene: MT-ND1 (mitochondrially encoded NADH dehydrogenase 1; plus strand).
Variant type: single nucleotide variant.
Genome position: chrM-3310-C-T.
Identifiers: ClinVar variation 692330 (VCV000692330.1), dbSNP rs1603218889, ClinGen allele CA414772513.

ClinVar aggregate classification (germline): Uncertain significance (1 of 4 stars; one submission).

Conditions:
Leigh syndrome (NULS). Also called: Leigh's necrotizing encephalopathy; Leigh's disease; Leigh Syndrome (mtDNA deletion); Leigh Disease; Subacute necrotizing encephalopathy; Necrotizing encephalopathy infantile subacute of Leigh. Identifiers: Orphanet 506, MedGen C2931891, MONDO:0009723, OMIM 256000.

Submission:

Wong Mito Lab, Molecular and Human Genetics, Baylor College of Medicine
Classification: Uncertain significance for Leigh syndrome. Last evaluated: 2019-10-17. Review status: criteria provided, single submitter. Criteria: Modified ACMG Guidelines (Unpublished). Collection method: clinical testing. Allele origin: germline.
Comment: The NC_012920.1:m.3310C>T (YP_003024026.1:p.Pro2Ser) variant in MTND1 gene is interpretated to be a Uncertain Significance variant based on the modified ACMG guidelines (unpublished). This variant meets the following evidence codes: PM10, BS1, BP4

Literature cited by the submitters: PubMed 16828917; PubMed 15977098; PubMed 12610069.